The following is an entry in ClinVar:

ClinVar aggregate classification (germline): Uncertain significance (1 of 4 stars; one submission).

Conditions:
Primary ciliary dyskinesia. Also called: Ciliary dyskinesia. Identifiers: Orphanet 244, MedGen C0008780, MONDO:0016575, HP:0012265.

Submission:

Labcorp Genetics (formerly Invitae), Labcorp
Classification: Uncertain significance for Primary ciliary dyskinesia. Last evaluated: 2019-09-30. Review status: criteria provided, single submitter. Criteria: Invitae Variant Classification Sherloc (09022015). Collection method: clinical testing. Allele origin: germline.
Comment: This variant, c.8217_8218insCTTCTGTGG, results in the insertion of 3 amino acid(s) to the DNAH5 protein (p.Lys2739_Ile2740insLeuLeuTrp), but otherwise preserves the integrity of the reading frame. The frequency data for this variant in the population databases is considered unreliable, as metrics indicate poor data quality at this position in the ExAC database. This variant has been observed in individual(s) with clinical features of primary ciliary dyskinesia (Invitae). In at least one individual the data is consistent with the variant being in trans (on the opposite chromosome) from a pathogenic variant. Experimental studies and prediction algorithms are not available or were not evaluated for this variant, and the functional significance of this variant is currently unknown. In summary, the available evidence is currently insufficient to determine the role of this variant in disease. Therefore, it has been classified as a Variant of Uncertain Significance.

NM_001369.3(DNAH5):c.8217_8218insCTTCTGTGG (p.Lys2739_Ile2740insLeuLeuTrp)

Gene: DNAH5 (dynein axonemal heavy chain 5; minus strand). Cytogenetic location: 5p15.2.
Variant type: Insertion.
Coding change: c.8217_8218insCTTCTGTGG on transcript NM_001369.3 (MANE Select); coding-DNA positions 8217 to 8218, CTTCTGTGG inserted.
Protein change: p.Lys2739_Ile2740insLeuLeuTrp.
Molecular consequence: inframe insertion.
Genome position: GRCh38 VCF-style: chr5-13793521-T-TCCACAGAAG. GRCh37 (hg19) VCF-style: chr5-13793630-T-TCCACAGAAG.
Identifiers: ClinVar variation 935398 (VCV000935398.1), dbSNP rs748140396, ClinGen allele CA3202875.
Genomic context (GRCh38, chr5:13,793,521, plus strand): 5'-ACCCAAGCAGGTGTTCTTCCTCACCCTCCCACCCCACATCCTCTTGATCTTTACCAAAGA[T>TCCACAGAAG]CTTGTCCACAGAAGCTTCAGAGGGCAACGTGCAATTAAATATAGAGAACTGCCTCTTGAG-3'